The following is an entry in ClinVar:

NM_004606.5(TAF1):c.4160C>T (p.Ser1387Leu)

Gene: TAF1 (TATA-box binding protein associated factor 1; plus strand). Cytogenetic location: Xq13.1.
Variant type: single nucleotide variant.
Coding change: c.4160C>T on transcript NM_004606.5 (MANE Select); coding-DNA position 4160, C replaced by T.
Protein change: p.Ser1387Leu; replaces serine 1387 with leucine.
Molecular consequence: missense variant. On other transcripts: non-coding transcript variant (9).
Genome position (GRCh38, 1-based): chrX:71,407,626, C>T. VCF-style: chrX-71407626-C-T. GRCh37 (hg19) VCF-style: chrX-70627476-C-T.
Other names: c.4160C>T, p.Ser1387Leu (NM_001286074.2); c.4097C>T, p.Ser1366Leu (NM_138923.4); short protein forms S1366L, S1387L.
Identifiers: ClinVar variation 3773938 (VCV003773938.1).
Genomic context (GRCh38, chrX:71,407,626, plus strand): 5'-CTCCTTAGAGACCTCATAAGTCCATCCACCGGCGCCGCACAGACCCTATGGTGACGCTGT[C>T]GTCCATCTTGGAGTCTATCATCAATGACATGAGAGATCTTCCAAATGTGAGTTCATTGCA-3'
Protein context (NP_004597.3, residues 1377-1397): RRRTDPMVTL[Ser1387Leu]SILESIINDM

ClinVar aggregate classification (germline): Uncertain significance (1 of 4 stars; one submission).

Submission:

GeneDx
Classification: Uncertain significance. Last evaluated: 2024-09-23. Review status: criteria provided, single submitter. Criteria: GeneDx Variant Classification Process June 2021. Collection method: clinical testing. Allele origin: germline. Affected: yes.
Comment: Not observed at significant frequency in large population cohorts (gnomAD); In silico analysis supports that this missense variant has a deleterious effect on protein structure/function; Has not been previously published as pathogenic or benign to our knowledge